The following is an entry in ClinVar:

NM_001009944.3(PKD1):c.7367A>G (p.Glu2456Gly)

Gene: PKD1 (polycystin 1, transient receptor potential channel interacting; minus strand). Cytogenetic location: 16p13.3.
Variant type: single nucleotide variant.
Coding change: c.7367A>G on transcript NM_001009944.3 (MANE Select); coding-DNA position 7367, A replaced by G.
Protein change: p.Glu2456Gly; replaces glutamic acid 2456 with glycine.
Molecular consequence: missense variant.
Genome position (GRCh38, 1-based): chr16:2,106,520, T>C on the plus strand (A>G on the coding strand, the complement: PKD1 is on the minus strand). VCF-style: chr16-2106520-T-C. GRCh37 (hg19) VCF-style: chr16-2156521-T-C.
Other names: c.7367A>G, p.Glu2456Gly (NM_000296.4); short protein forms E2456G.
Identifiers: ClinVar variation 3932805 (VCV003932805.3).
Genomic context (GRCh38, chr16:2,106,520, plus strand): 5'-CAAGAGCCCCCCAGCGGCGGGCGGTTGGGGGACAGGCGGATGGAGGCGCAGCCCTCCTCC[T>C]CGCCAGAGCGGCCCAGCACCGTGAGCGTGAAGGTGTATCCCTCGCCGTCCCGCAGCACGC-3'
Protein context (NP_001009944.3, residues 2446-2466): FTLTVLGRSG[Glu2456Gly]EEGCASIRLS

ClinVar aggregate classification (germline): Likely benign. Review status: criteria provided, multiple submitters, no conflicts (2 of 4 stars). 3 submissions from 3 submitters: Likely benign (3). Last evaluated 2026-08-05.

Conditions:
Inborn genetic diseases. Identifiers: MedGen C0950123, MeSH D030342.
PKD1-related disorder. Also called: PKD1-related condition.

gnomAD v4.1: 28 of 1,595,712 alleles (0.0018%); highest among the groups gnomAD compares: East Asian, 0.051%; no homozygotes.

Submissions (3):

PreventionGenetics, part of Exact Sciences
Classification: Likely benign for PKD1-related condition. Last evaluated: 2026-08-05. Review status: criteria provided, single submitter. Criteria: ACMG Guidelines, 2015. Collection method: clinical testing. Allele origin: germline.
Comment: This variant is classified as likely benign based on ACMG/AMP sequence variant interpretation guidelines (Richards et al. 2015 PMID: 25741868, with internal and published modifications).

Ambry Genetics
Classification: Likely benign for Inborn genetic diseases. Last evaluated: 2025-03-31. Review status: criteria provided, single submitter. Criteria: Ambry Variant Classification Scheme 2023. Collection method: clinical testing. Allele origin: germline.

Blueprint Genetics
Classification: Likely benign. Last evaluated: 2021-11-05. Review status: criteria provided, single submitter. Criteria: ACMG Guidelines, 2015. Collection method: clinical testing. Allele origin: germline.